The following is an entry in ClinVar:

NM_001035.3(RYR2):c.12718A>G (p.Thr4240Ala)

Genes: RYR2 (ryanodine receptor 2; plus strand), LOC126806068 (BRD4-independent group 4 enhancer GRCh37_chr1:237947411-237948610; plus strand). Cytogenetic location: 1q43.
Variant type: single nucleotide variant.
Coding change: c.12718A>G on transcript NM_001035.3 (MANE Select); coding-DNA position 12718, A replaced by G.
Protein change: p.Thr4240Ala; replaces threonine 4240 with alanine.
Molecular consequence: missense variant.
Genome position (GRCh38, 1-based): chr1:237,784,430, A>G. VCF-style: chr1-237784430-A-G. GRCh37 (hg19) VCF-style: chr1-237947730-A-G.
Other names: short protein forms T4240A.
Identifiers: ClinVar variation 1930489 (VCV001930489.5), dbSNP rs2527790432, ClinGen allele CA345413986.

ClinVar aggregate classification (germline): Uncertain significance (1 of 4 stars; one submission).

Conditions:
Catecholaminergic polymorphic ventricular tachycardia 1. Also called: RYR2-Related Catecholaminergic Polymorphic Ventricular Tachycardia; VENTRICULAR TACHYCARDIA, CATECHOLAMINERGIC POLYMORPHIC, 1, WITH OR WITHOUT ATRIAL DYSFUNCTION AND/OR DILATED CARDIOMYOPATHY; VENTRICULAR TACHYCARDIA, STRESS-INDUCED POLYMORPHIC 1. Identifiers: Orphanet 3286, MedGen C1631597, MONDO:0011484, OMIM 604772.

Submission:

Labcorp Genetics (formerly Invitae), Labcorp
Classification: Uncertain significance for Catecholaminergic polymorphic ventricular tachycardia 1. Last evaluated: 2022-03-28. Review status: criteria provided, single submitter. Criteria: Invitae Variant Classification Sherloc (09022015). Collection method: clinical testing. Allele origin: germline.
Comment: In summary, the available evidence is currently insufficient to determine the role of this variant in disease. Therefore, it has been classified as a Variant of Uncertain Significance. Advanced modeling of protein sequence and biophysical properties (such as structural, functional, and spatial information, amino acid conservation, physicochemical variation, residue mobility, and thermodynamic stability) performed at Invitae indicates that this missense variant is not expected to disrupt RYR2 protein function. This variant has not been reported in the literature in individuals affected with RYR2-related conditions. This variant is not present in population databases (gnomAD no frequency). This sequence change replaces threonine, which is neutral and polar, with alanine, which is neutral and non-polar, at codon 4240 of the RYR2 protein (p.Thr4240Ala).